The following is an entry in ClinVar:

ClinVar aggregate classification (germline): Conflicting classifications of pathogenicity. Review status: criteria provided, conflicting classifications (1 of 4 stars). 6 submissions from 6 submitters: Uncertain significance (1); Likely benign (3). 2 of the submissions do not count toward it. Last evaluated 2025-12-20.

Conditions:
Jalili syndrome. Also called: CONE-ROD DYSTROPHY AND AMELOGENESIS IMPERFECTA. Identifiers: Orphanet 1873, MedGen C3495589, MONDO:0009007, OMIM 217080.

Allele frequency attached by ClinVar (database versions not stated): 1000 Genomes Project 0.00040; ESP Exome Variant Server 0.00046; 1000 Genomes Project 30x 0.00047; ExAC 0.00049; gnomAD exomes 0.00056 and 0.00098; TOPMed 0.00056.

Submissions (6):

Labcorp Genetics (formerly Invitae), Labcorp
Classification: Likely benign. Last evaluated: 2025-12-20. Review status: criteria provided, single submitter. Criteria: Invitae Variant Classification Sherloc (09022015). Collection method: clinical testing. Allele origin: germline.

Blueprint Genetics
Classification: Likely benign. Last evaluated: 2024-10-09. Review status: criteria provided, single submitter. Criteria: ACMG Guidelines, 2015. Collection method: clinical testing. Allele origin: germline.

CeGaT Center for Human Genetics Tuebingen
Classification: Likely benign. Last evaluated: 2023-04-01. Review status: criteria provided, single submitter. Criteria: CeGaT Center For Human Genetics Tuebingen Variant Classification Criteria Version 2. Collection method: clinical testing. Allele origin: germline. Affected: yes. Observed: 1 variant allele.
Comment: CNNM4: BP4, BP7

Illumina Laboratory Services, Illumina
Classification: Uncertain significance for Jalili syndrome. Last evaluated: 2018-01-13. Review status: criteria provided, single submitter. Criteria: ICSL Variant Classification Criteria 13 December 2019. Collection method: clinical testing. Allele origin: germline.

Clinical Genetics DNA and cytogenetics Diagnostics Lab, Erasmus MC, Erasmus Medical Center
Classification: Likely benign. Review status: no assertion criteria provided. Collection method: clinical testing. Allele origin: germline. Affected: yes. Study: VKGL Data-share Consensus. Not counted in ClinVar's aggregate classification.

Clinical Genetics, Academic Medical Center
Classification: Benign. Review status: no assertion criteria provided. Collection method: clinical testing. Allele origin: germline. Affected: yes. Study: VKGL Data-share Consensus. Not counted in ClinVar's aggregate classification.

NM_020184.4(CNNM4):c.1500C>T (p.Ile500=)

Gene: CNNM4 (cyclin and CBS domain divalent metal cation transport mediator 4; plus strand). Cytogenetic location: 2q11.2.
Variant type: single nucleotide variant.
Coding change: c.1500C>T on transcript NM_020184.4 (MANE Select); coding-DNA position 1500, C replaced by T.
Protein change: p.Ile500=; no amino-acid change (isoleucine 500 retained).
Molecular consequence: synonymous variant.
Genome position (GRCh38, 1-based): chr2:96,797,109, C>T. VCF-style: chr2-96797109-C-T. GRCh37 (hg19) VCF-style: chr2-97462846-C-T.
Identifiers: ClinVar variation 896488 (VCV000896488.39), dbSNP rs144915228, ClinGen allele CA1783370.